The following is an entry in ClinVar:

ClinVar aggregate classification (germline): Uncertain significance (1 of 4 stars; one submission).

Submission:

Labcorp Genetics (formerly Invitae), Labcorp
Classification: Uncertain significance. Last evaluated: 2025-11-07. Review status: criteria provided, single submitter. Criteria: Invitae Variant Classification Sherloc (09022015). Collection method: clinical testing. Allele origin: germline.
Comment: This variant, c.5075_5080dup, results in the insertion of 2 amino acid(s) of the KIF26A protein (p.Thr1692_Arg1693dup), but otherwise preserves the integrity of the reading frame. This variant is present in population databases (rs769749602, gnomAD 0.08%). This variant has not been reported in the literature in individuals affected with KIF26A-related conditions. In summary, the available evidence is currently insufficient to determine the role of this variant in disease. Therefore, it has been classified as a Variant of Uncertain Significance.

NM_015656.2(KIF26A):c.5069CCCGCA[3] (p.Arg1693_Ser1694insThrArg)

Gene: KIF26A (kinesin family member 26A; plus strand). Cytogenetic location: 14q32.33.
Variant type: Microsatellite.
Coding change: c.5069CCCGCA[3] on transcript NM_015656.2 (MANE Select); three copies in a row of the 6-base unit CCCGCA starting at c.5069; the reference has two copies in a row; one copy, 6 bases duplicated.
Protein change: p.Arg1693_Ser1694insThrArg.
Molecular consequence: inframe insertion.
Genome position (GRCh38, 1-based): chr14:104,177,863-104,177,868, CCCGCA duplicated; duplicating any 6 consecutive bases within chr14:104,177,857-104,177,868 gives the same sequence; the position shown is the placement nearest the transcript's 3' end. VCF-style (leftmost placement, unchanged base first): chr14-104177856-G-GCCCGCA. GRCh37 (hg19) VCF-style: chr14-104644193-G-GCCCGCA.
Identifiers: ClinVar variation 4807107 (VCV004807107.1).